The following is an entry in ClinVar:

NM_173630.4(RTTN):c.6417T>C (p.Ala2139=)

Gene: RTTN (rotatin; minus strand). Cytogenetic location: 18q22.2.
Variant type: single nucleotide variant.
Coding change: c.6417T>C on transcript NM_173630.4 (MANE Select); coding-DNA position 6417, T replaced by C.
Protein change: p.Ala2139=; no amino-acid change (alanine 2139 retained).
Molecular consequence: synonymous variant.
Genome position (GRCh38, 1-based): chr18:70,017,411, A>G on the plus strand (T>C on the coding strand, the complement: RTTN is on the minus strand). VCF-style: chr18-70017411-A-G. GRCh37 (hg19) VCF-style: chr18-67684647-A-G.
Other names: c.3681T>C, p.Ala1227= (NM_001318520.2).
Identifiers: ClinVar variation 748625 (VCV000748625.14), dbSNP rs141934309, ClinGen allele CA8994680.

ClinVar aggregate classification (germline): Benign/Likely benign. Review status: criteria provided, multiple submitters, no conflicts (2 of 4 stars). 4 submissions from 4 submitters: Benign (1); Likely benign (2). 1 of the submissions does not count toward it. Last evaluated 2025-06-01.

Conditions:
RTTN-related disorder. Also called: RTTN-related condition.

Allele frequency attached by ClinVar (database versions not stated): TOPMed 0.00117; 1000 Genomes Project 30x 0.00141; 1000 Genomes Project 0.00180.
gnomAD v4.1: 564 of 1,613,580 alleles (0.035%); highest among the groups gnomAD compares: East Asian, 1.2%; 5 homozygotes.

Submissions (4):

Labcorp Genetics (formerly Invitae), Labcorp
Classification: Benign. Last evaluated: 2025-06-01. Review status: criteria provided, single submitter. Criteria: Invitae Variant Classification Sherloc (09022015). Collection method: clinical testing. Allele origin: germline.

Blueprint Genetics
Classification: Likely benign. Last evaluated: 2024-09-19. Review status: criteria provided, single submitter. Criteria: ACMG Guidelines, 2015. Collection method: clinical testing. Allele origin: germline.

GeneDx
Classification: Likely benign. Last evaluated: 2020-10-14. Review status: criteria provided, single submitter. Criteria: GeneDx Variant Classification Process June 2021. Collection method: clinical testing. Allele origin: germline. Affected: yes.

PreventionGenetics, part of Exact Sciences
Classification: Likely benign for RTTN-related condition. Last evaluated: 2019-04-12. Review status: no assertion criteria provided. Collection method: clinical testing. Allele origin: germline. Not counted in ClinVar's aggregate classification.
Comment: This variant is classified as likely benign based on ACMG/AMP sequence variant interpretation guidelines (Richards et al. 2015 PMID: 25741868, with internal and published modifications).